The following is an entry in ClinVar:

NM_001308093.3(GATA4):c.1014del (p.Ser338fs)

Gene: GATA4 (GATA binding protein 4). Cytogenetic location: 8p23.1.
Variant type: Deletion.
Coding change: c.1014del on transcript NM_001308093.3 (MANE Select); coding-DNA position 1014, one base deleted.
Protein change: p.Ser338fs; shifts the reading frame from serine 338.
Molecular consequence: frameshift variant.
Genome position: GRCh38 VCF-style: chr8-11756947-GT-G. GRCh37 (hg19) VCF-style: chr8-11614456-GT-G.
Other names: c.393del, p.Ser131fs (NM_001308094.2, NM_001374273.1); c.267del, p.Ser89fs (NM_001374274.1); c.1011del, p.Ser337fs (NM_002052.5); short protein forms S131fs, S337fs, S338fs, S89fs.
Identifiers: ClinVar variation 1492813 (VCV001492813.6), dbSNP rs2130347583, ClinGen allele CA2573142545.

ClinVar aggregate classification (germline): Uncertain significance (1 of 4 stars; one submission).

Conditions:
Atrioventricular septal defect 4 (AVSD4). Identifiers: MedGen C3280781, MONDO:0013747, OMIM 614430.

Submission:

Labcorp Genetics (formerly Invitae), Labcorp
Classification: Uncertain significance for Atrioventricular septal defect 4. Last evaluated: 2022-03-08. Review status: criteria provided, single submitter. Criteria: Invitae Variant Classification Sherloc (09022015). Collection method: clinical testing. Allele origin: germline.
Comment: In summary, the available evidence is currently insufficient to determine the role of this variant in disease. Therefore, it has been classified as a Variant of Uncertain Significance. Experimental studies and prediction algorithms are not available or were not evaluated, and the functional significance of this variant is currently unknown. This variant has not been reported in the literature in individuals affected with GATA4-related conditions. This variant is not present in population databases (gnomAD no frequency). This sequence change creates a premature translational stop signal (p.Ser337Argfs*67) in the GATA4 gene. While this is not anticipated to result in nonsense mediated decay, it is expected to disrupt the last 106 amino acid(s) of the GATA4 protein.